The following is an entry in ClinVar:

NM_022356.4(P3H1):c.1919A>G (p.Glu640Gly)

Gene: P3H1 (prolyl 3-hydroxylase 1; minus strand). Cytogenetic location: 1p34.2.
Variant type: single nucleotide variant.
Coding change: c.1919A>G on transcript NM_022356.4 (MANE Select); coding-DNA position 1919, A replaced by G.
Protein change: p.Glu640Gly; replaces glutamic acid 640 with glycine.
Molecular consequence: missense variant.
Genome position (GRCh38, 1-based): chr1:42,747,408, T>C on the plus strand (A>G on the coding strand, the complement: P3H1 is on the minus strand). VCF-style: chr1-42747408-T-C. GRCh37 (hg19) VCF-style: chr1-43213079-T-C.
Other names: c.1919A>G, p.Glu640Gly (NM_001146289.2, NM_001243246.2); short protein forms E640G.
Identifiers: ClinVar variation 1700934 (VCV001700934.7), dbSNP rs764935317, ClinGen allele CA801639.
Genomic context (GRCh38, chr1:42,747,408, plus strand): 5'-CCATGTGGGTTTTCAGTGCCTGAAGAGAATCCCACGGCTCTTCCACACTGAGGCTGCACC[T>C]CTGCCTAAGGGGGACAGAAAGGGAGGGGGGTTGCACAGGACAAAGACTGTAATCCACTCT-3'
Protein context (NP_071751.3, residues 630-650): TELDAKTVTA[Glu640Gly]VQPQCGRAVG

ClinVar aggregate classification (germline): Uncertain significance. Review status: criteria provided, multiple submitters, no conflicts (2 of 4 stars). 3 submissions from 3 submitters: Uncertain significance (3). Last evaluated 2025-08-30.

Conditions:
Inborn genetic diseases. Identifiers: MedGen C0950123, MeSH D030342.
Osteogenesis imperfecta type 8 (OI8). Identifiers: MedGen C1970458, MONDO:0012581, OMIM 610915.

Allele frequency attached by ClinVar (database versions not stated): gnomAD exomes below 0.00001 and 0.00003; gnomAD 0.00001; TOPMed 0.00001; ExAC 0.00002.

Submissions (3):

Ambry Genetics
Classification: Uncertain significance for Inborn genetic diseases. Last evaluated: 2025-08-30. Review status: criteria provided, single submitter. Criteria: Ambry Variant Classification Scheme 2023. Collection method: clinical testing. Allele origin: germline.

Genome-Nilou Lab
Classification: Uncertain significance for Osteogenesis imperfecta type 8. Last evaluated: 2023-04-11. Review status: criteria provided, single submitter. Criteria: ACMG Guidelines, 2015. Collection method: clinical testing. Allele origin: germline. Affected: no.

GeneDx
Classification: Uncertain significance. Last evaluated: 2022-02-14. Review status: criteria provided, single submitter. Criteria: GeneDx Variant Classification Process June 2021. Collection method: clinical testing. Allele origin: germline. Affected: yes.
Comment: In silico analysis supports that this missense variant has a deleterious effect on protein structure/function; Has not been previously published as pathogenic or benign to our knowledge